The following is an entry in ClinVar:

NM_001174150.2(ARL13B):c.689+1196C>T

Gene: ARL13B (ARF like GTPase 13B; plus strand). Cytogenetic location: 3q11.2.
Variant type: single nucleotide variant.
Coding change: c.689+1196C>T on transcript NM_001174150.2 (MANE Select); 1196 bases into the intron after coding-DNA position 689, C replaced by T.
Molecular consequence: intron variant.
Genome position (GRCh38, 1-based): chr3:94,037,950, C>T. VCF-style: chr3-94037950-C-T. GRCh37 (hg19) VCF-style: chr3-93756794-C-T.
Other names: c.644+1196C>T (NM_001321328.2); c.689+1196C>T (NM_182896.3, NM_001410782.1); c.380+1196C>T (NM_001174151.2); c.368+1196C>T (NM_144996.4, NM_001437443.1).
Identifiers: ClinVar variation 4822590 (VCV004822590.4).

ClinVar aggregate classification (germline): Likely benign (1 of 4 stars; one submission).

gnomAD v4.1: 2 of 152,082 alleles (0.0013%); highest among the groups gnomAD compares: Non-Finnish European, 0.0029%; no homozygotes.

Submission:

CeGaT Center for Human Genetics Tuebingen
Classification: Likely benign. Last evaluated: 2026-01-01. Review status: criteria provided, single submitter. Criteria: CeGaT Center For Human Genetics Tuebingen Variant Classification Criteria Version 2. Collection method: clinical testing. Allele origin: germline. Affected: yes. Observed: 1 variant allele.
Comment: ARL13B: BP4, BP7